The following is an entry in ClinVar:

NM_007294.4(BRCA1):c.1775G>A (p.Ser592Asn)

Gene: BRCA1 (BRCA1 DNA repair associated; minus strand). Cytogenetic location: 17q21.31.
Variant type: single nucleotide variant.
Coding change: c.1775G>A on transcript NM_007294.4 (MANE Select); coding-DNA position 1775, G replaced by A.
Protein change: p.Ser592Asn; replaces serine 592 with asparagine.
Molecular consequence: missense variant. On other transcripts: intron variant (137).
Genome position (GRCh38, 1-based): chr17:43,093,756, C>T on the plus strand (G>A on the coding strand, the complement: BRCA1 is on the minus strand). VCF-style: chr17-43093756-C-T. GRCh37 (hg19) VCF-style: chr17-41245773-C-T.
Other names: c.1562G>A, p.Ser521Asn (NM_001407571.1, NM_001407853.1, NM_001407894.1 and 9 more transcripts); c.1775G>A, p.Ser592Asn (NM_001407581.1, NM_001407582.1, NM_001407583.1 and 30 more transcripts); c.1772G>A, p.Ser591Asn (NM_001407587.1, NM_001407590.1, NM_001407591.1 and 22 more transcripts); c.1649G>A, p.Ser550Asn (NM_001407649.1, NM_001407670.1, NM_001407671.1 and 11 more transcripts); c.1697G>A, p.Ser566Asn (NM_001407653.1, NM_001407654.1, NM_001407655.1 and 4 more transcripts); c.1694G>A, p.Ser565Asn (NM_001407659.1, NM_001407660.1, NM_001407661.1 and 1 more transcripts); c.1652G>A, p.Ser551Asn (NM_001407674.1, NM_001407675.1, NM_001407676.1 and 19 more transcripts); c.1634G>A, p.Ser545Asn (NM_001407692.1, NM_001407694.1, NM_001407695.1 and 29 more transcripts); and 40 more; short protein forms S592N, S545N, S504N, S521N, S525N, S565N, S544N, S551N.
Identifiers: ClinVar variation 186563 (VCV000186563.23), dbSNP rs786203044, ClinGen allele CA001156.
Genomic context (GRCh38, chr17:43,093,756, plus strand): 5'-CTCAGCCTATTCTTTTTAGGTGCTTTTGAATTGTGGATATTTAATTCGAGTTCCATATTG[C>T]TTATACTGCTGCTTATAGGTTCAGCTTTCGTTTTGAAAGCAGATTCTTTTTCGAGTGATT-3'
Protein context (NP_009225.1, residues 582-602): TKAEPISSSI[Ser592Asn]NMELELNIHN

ClinVar aggregate classification (germline): Conflicting classifications of pathogenicity. Review status: criteria provided, conflicting classifications (1 of 4 stars). 7 submissions from 7 submitters: Uncertain significance (3); Likely benign (3). 1 of the submissions does not count toward it. Last evaluated 2024-11-10.

Conditions:
Hereditary breast ovarian cancer syndrome. Also called: Hereditary breast and ovarian cancer syndrome; Hereditary breast and ovarian cancer syndrome (HBOC); BRCA1- and BRCA2-Associated Hereditary Breast and Ovarian Cancer; Breast and ovarian cancer; Hereditary breast and ovarian cancer; Hereditary breast and/or ovarian cancer syndrome. Identifiers: Orphanet 145, MedGen C0677776, MeSH D061325, MONDO:0003582. Disease mechanism: loss of function.
Hereditary cancer-predisposing syndrome. Also called: Hereditary Cancer Syndrome; Hereditary neoplastic syndrome; Tumor predisposition; Neoplastic Syndromes, Hereditary. Identifiers: Orphanet 140162, MedGen C0027672, MeSH D009386, MONDO:0015356.
Breast-ovarian cancer, familial, susceptibility to, 1 (BROVCA1). Also called: OVARIAN CANCER, SUSCEPTIBILITY TO; BRCA1 Hereditary Breast and Ovarian Cancer. Identifiers: Orphanet 145, MedGen C2676676, MONDO:0011450, OMIM 604370. Disease mechanism: loss of function.

Allele frequency attached by ClinVar (database versions not stated): gnomAD exomes below 0.00001.
gnomAD v4.1: 1 of 1,613,924 alleles (0.000062%); highest among the groups gnomAD compares: Non-Finnish European, 0.000085%; no homozygotes.

Submissions (7):

Labcorp Genetics (formerly Invitae), Labcorp
Classification: Likely benign for Hereditary breast ovarian cancer syndrome. Last evaluated: 2024-11-10. Review status: criteria provided, single submitter. Criteria: Invitae Variant Classification Sherloc (09022015). Collection method: clinical testing. Allele origin: germline.

All of Us Research Program, National Institutes of Health
Classification: Uncertain significance for Breast-ovarian cancer, familial, susceptibility to, 1. Last evaluated: 2023-06-28. Review status: criteria provided, single submitter. Criteria: ACMG Guidelines, 2015. Collection method: clinical testing. Allele origin: germline. Inheritance: Autosomal dominant inheritance. Observed: 1 variant allele, 1 heterozygote.
Comment: This missense variant replaces serine with asparagine at codon 592 of the BRCA1 protein. Computational prediction suggests that this variant may not impact protein structure and function (internally defined REVEL score threshold <= 0.5, PMID: 27666373). To our knowledge, functional studies have not been reported for this variant. This variant has been reported in a family suspected to be affected with hereditary cancer (PMID: 31853058). This variant has not been identified in the general population by the Genome Aggregation Database (gnomAD). The available evidence is insufficient to determine the role of this variant in disease conclusively. Therefore, this variant is classified as a Variant of Uncertain Significance.

This study involves interpretation of variants in research participants for the purpose of population health screening. Participant phenotype was not available at the time of variant classification. Additional details can be found in publication PMID: 35346344, PMCID: PMC8962531

University of Washington Department of Laboratory Medicine, University of Washington
Classification: Likely benign for Hereditary cancer-predisposing syndrome. Last evaluated: 2023-03-23. Review status: criteria provided, single submitter. Criteria: Dines et al. (Genet Med. 2020). Collection method: curation. Allele origin: germline.
Comment: Missense variant in a coldspot region where missense variants are very unlikely to be pathogenic (PMID:31911673).

BRCA1 coldspot (exon 11 using historical exon numbering). Reclassification based on statistical prior probability

Color Diagnostics, LLC DBA Color Health
Classification: Uncertain significance for Hereditary cancer-predisposing syndrome. Last evaluated: 2023-02-28. Review status: criteria provided, single submitter. Criteria: ACMG Guidelines, 2015. Collection method: clinical testing. Allele origin: germline.
Comment: This missense variant replaces serine with asparagine at codon 592 of the BRCA1 protein. Computational prediction suggests that this variant may not impact protein structure and function (internally defined REVEL score threshold <= 0.5, PMID: 27666373). A functional study has reported that this variant results in intermediate activity in a number of yeast homology-mediated repair associated assays and a small colony phenotype assay (PMID: 35409408). This variant has been reported in a family suspected to be affected with hereditary cancer (PMID: 31853058). This variant has not been identified in the general population by the Genome Aggregation Database (gnomAD). The available evidence is insufficient to determine the role of this variant in disease conclusively. Therefore, this variant is classified as a Variant of Uncertain Significance.

Mendelics
Classification: Uncertain significance for Breast-ovarian cancer, familial, susceptibility to, 1. Last evaluated: 2019-05-28. Review status: criteria provided, single submitter. Criteria: Mendelics Assertion Criteria 2017. Collection method: clinical testing. Allele origin: unknown.

Ambry Genetics
Classification: Likely benign for Hereditary cancer-predisposing syndrome. Last evaluated: 2018-12-31. Review status: criteria provided, single submitter. Criteria: Ambry Variant Classification Scheme 2023. Collection method: clinical testing. Allele origin: germline.

Department of Pathology and Laboratory Medicine, Sinai Health System
Classification: Likely benign. Review status: no assertion criteria provided. Collection method: clinical testing. Allele origin: unknown. Affected: yes. Observed: 1 variant allele. Study: The Canadian Open Genetics Repository (COGR). Not counted in ClinVar's aggregate classification.

Literature cited by the submitters: PubMed 31853058 (cited by All of Us Research Program, National Institutes of Health and Color Diagnostics, LLC DBA Color Health); PubMed 35409408 (cited by Color Diagnostics, LLC DBA Color Health).